The following is an entry in ClinVar:

ClinVar aggregate classification (germline): Uncertain significance. Review status: criteria provided, multiple submitters, no conflicts (2 of 4 stars). 2 submissions from 2 submitters: Uncertain significance (2). Last evaluated 2025-10-06.

Conditions:
Inborn genetic diseases. Identifiers: MedGen C0950123, MeSH D030342.
Familial hemophagocytic lymphohistiocytosis 2 (FHL2). Also called: PRF1-Related Familial Hemophagocytic Lymphohistiocytosis (PRF1-fHLH). Identifiers: Orphanet 540, MedGen C1863727, MONDO:0011337, OMIM 603553.

Allele frequency attached by ClinVar (database versions not stated): gnomAD exomes below 0.00001; TOPMed below 0.00001; gnomAD 0.00001.
gnomAD v4.1: 4 of 1,613,618 alleles (0.00025%); highest among the groups gnomAD compares: Admixed American, 0.0033%; no homozygotes.

Submissions (2):

Labcorp Genetics (formerly Invitae), Labcorp
Classification: Uncertain significance for Familial hemophagocytic lymphohistiocytosis 2. Last evaluated: 2025-10-06. Review status: criteria provided, single submitter. Criteria: Invitae Variant Classification Sherloc (09022015). Collection method: clinical testing. Allele origin: germline.
Comment: This sequence change replaces arginine, which is basic and polar, with tryptophan, which is neutral and slightly polar, at codon 550 of the PRF1 protein (p.Arg550Trp). This variant is present in population databases (no rsID available, gnomAD 0.007%). This variant has not been reported in the literature in individuals affected with PRF1-related conditions. ClinVar contains an entry for this variant (Variation ID: 2236002). Invitae Evidence Modeling of protein sequence and biophysical properties (such as structural, functional, and spatial information, amino acid conservation, physicochemical variation, residue mobility, and thermodynamic stability) indicates that this missense variant is expected to disrupt PRF1 protein function with a positive predictive value of 95%. In summary, the available evidence is currently insufficient to determine the role of this variant in disease. Therefore, it has been classified as a Variant of Uncertain Significance.

Ambry Genetics
Classification: Uncertain significance for Inborn genetic diseases. Last evaluated: 2021-07-09. Review status: criteria provided, single submitter. Criteria: Ambry Variant Classification Scheme 2023. Collection method: clinical testing. Allele origin: germline.

NM_001083116.3(PRF1):c.1648C>T (p.Arg550Trp)

Gene: PRF1 (perforin 1; minus strand). Cytogenetic location: 10q22.1.
Variant type: single nucleotide variant.
Coding change: c.1648C>T on transcript NM_001083116.3 (MANE Select); coding-DNA position 1648, C replaced by T.
Protein change: p.Arg550Trp; replaces arginine 550 with tryptophan.
Molecular consequence: missense variant.
Genome position (GRCh38, 1-based): chr10:70,598,073, G>A on the plus strand (C>T on the coding strand, the complement: PRF1 is on the minus strand). VCF-style: chr10-70598073-G-A. GRCh37 (hg19) VCF-style: chr10-72357829-G-A.
Other names: c.1648C>T, p.Arg550Trp (NM_005041.6); short protein forms R550W.
Identifiers: ClinVar variation 2236002 (VCV002236002.3), dbSNP rs1421900619, ClinGen allele CA376954780.
Genomic context (GRCh38, chr10:70,598,073, plus strand): 5'-TTCAGTCCAAGCATACTGGTCCTTTCCAAGCTCACTGTTCTCACCACACGGCCCCACTCC[G>A]GTTTCCTGGAGGCTCCCCCAGAAGCATTTGGGGGACATAGTCCAGGCAGGTGCCTCCTCC-3'
Protein context (NP_001076585.1, residues 540-555): QMLLGEPPGN[Arg550Trp]SGAVW